The following is an entry in ClinVar:

NM_018052.5(VAC14):c.962C>T (p.Ala321Val)

Gene: VAC14 (VAC14 component of PIKFYVE complex; minus strand). Cytogenetic location: 16q22.1.
Variant type: single nucleotide variant.
Coding change: c.962C>T on transcript NM_018052.5 (MANE Select); coding-DNA position 962, C replaced by T.
Protein change: p.Ala321Val; replaces alanine 321 with valine.
Molecular consequence: missense variant.
Genome position (GRCh38, 1-based): chr16:70,780,924, G>A on the plus strand (C>T on the coding strand, the complement: VAC14 is on the minus strand). VCF-style: chr16-70780924-G-A. GRCh37 (hg19) VCF-style: chr16-70814827-G-A.
Other names: c.260C>T, p.Ala87Val (NM_001351157.2); short protein forms A321V, A87V.
Identifiers: ClinVar variation 1987323 (VCV001987323.2), dbSNP rs148276532, ClinGen allele CA8147874.

ClinVar aggregate classification (germline): Uncertain significance (1 of 4 stars; one submission).

Allele frequency attached by ClinVar (database versions not stated): gnomAD exomes below 0.00001; ExAC 0.00002; gnomAD 0.00005; TOPMed 0.00006; ESP Exome Variant Server 0.00008.
gnomAD v4.1: 9 of 1,614,002 alleles (0.00056%); highest among the groups gnomAD compares: African/African-American, 0.012%; no homozygotes.

Submission:

Labcorp Genetics (formerly Invitae), Labcorp
Classification: Uncertain significance. Last evaluated: 2025-02-03. Review status: criteria provided, single submitter. Criteria: Invitae Variant Classification Sherloc (09022015). Collection method: clinical testing. Allele origin: germline.
Comment: This sequence change replaces alanine, which is neutral and non-polar, with valine, which is neutral and non-polar, at codon 321 of the VAC14 protein (p.Ala321Val). This variant is present in population databases (rs148276532, gnomAD 0.01%). This variant has not been reported in the literature in individuals affected with VAC14-related conditions. ClinVar contains an entry for this variant (Variation ID: 1987323). Invitae Evidence Modeling of protein sequence and biophysical properties (such as structural, functional, and spatial information, amino acid conservation, physicochemical variation, residue mobility, and thermodynamic stability) indicates that this missense variant is expected to disrupt VAC14 protein function with a positive predictive value of 80%. In summary, the available evidence is currently insufficient to determine the role of this variant in disease. Therefore, it has been classified as a Variant of Uncertain Significance.